The following is an entry in ClinVar:

NM_001367624.2(ZNF469):c.3554G>C (p.Arg1185Thr)

Gene: ZNF469 (zinc finger protein 469; plus strand). Cytogenetic location: 16q24.2.
Variant type: single nucleotide variant.
Coding change: c.3554G>C on transcript NM_001367624.2 (MANE Select); coding-DNA position 3554, G replaced by C.
Protein change: p.Arg1185Thr; replaces arginine 1185 with threonine.
Molecular consequence: missense variant.
Genome position (GRCh38, 1-based): chr16:88,431,024, G>C. VCF-style: chr16-88431024-G-C. GRCh37 (hg19) VCF-style: chr16-88497432-G-C.
Other names: NM_001127464.1:c.3470G>C; short protein forms R1185T.
Identifiers: ClinVar variation 1731738 (VCV001731738.2), dbSNP rs1290355639, ClinGen allele CA397085026.

ClinVar aggregate classification (germline): Uncertain significance (1 of 4 stars; one submission).

Conditions:
Cardiovascular phenotype. Identifiers: MedGen CN230736.

Submission:

Ambry Genetics
Classification: Uncertain significance for Cardiovascular phenotype. Last evaluated: 2021-09-26. Review status: criteria provided, single submitter. Criteria: Ambry Variant Classification Scheme 2023. Collection method: clinical testing. Allele origin: germline.
Comment: The p.R1157T variant (also known as c.3470G>C), located in coding exon 2 of the ZNF469 gene, results from a G to C substitution at nucleotide position 3470. The arginine at codon 1157 is replaced by threonine, an amino acid with similar properties. This amino acid position is conserved. In addition, this alteration is predicted to be tolerated by in silico analysis. Since supporting evidence is limited at this time, the clinical significance of this alteration remains unclear.